The following is an entry in ClinVar:

ClinVar aggregate classification (germline): Uncertain significance (1 of 4 stars; one submission).

Conditions:
Spastic paraplegia. Identifiers: MedGen C0037772, HP:0001258.

Allele frequency attached by ClinVar (database versions not stated): gnomAD 0.00001.
gnomAD v4.1: 1 of 1,613,806 alleles (0.000062%); highest among the groups gnomAD compares: African/African-American, 0.0013%; no homozygotes.

Submission:

Labcorp Genetics (formerly Invitae), Labcorp
Classification: Uncertain significance for Spastic paraplegia. Last evaluated: 2022-08-09. Review status: criteria provided, single submitter. Criteria: Invitae Variant Classification Sherloc (09022015). Collection method: clinical testing. Allele origin: germline.
Comment: In summary, the available evidence is currently insufficient to determine the role of this variant in disease. Therefore, it has been classified as a Variant of Uncertain Significance. Advanced modeling of protein sequence and biophysical properties (such as structural, functional, and spatial information, amino acid conservation, physicochemical variation, residue mobility, and thermodynamic stability) performed at Invitae indicates that this missense variant is not expected to disrupt SACS protein function. This variant has not been reported in the literature in individuals affected with SACS-related conditions. This variant is not present in population databases (gnomAD no frequency). This sequence change replaces aspartic acid, which is acidic and polar, with asparagine, which is neutral and polar, at codon 2003 of the SACS protein (p.Asp2003Asn).

NM_014363.6(SACS):c.6007G>A (p.Asp2003Asn)

Gene: SACS (sacsin molecular chaperone; minus strand). Cytogenetic location: 13q12.12.
Variant type: single nucleotide variant.
Coding change: c.6007G>A on transcript NM_014363.6 (MANE Select); coding-DNA position 6007, G replaced by A.
Protein change: p.Asp2003Asn; replaces aspartic acid 2003 with asparagine.
Molecular consequence: missense variant.
Genome position (GRCh38, 1-based): chr13:23,337,869, C>T on the plus strand (G>A on the coding strand, the complement: SACS is on the minus strand). VCF-style: chr13-23337869-C-T. GRCh37 (hg19) VCF-style: chr13-23912008-C-T.
Other names: c.5566G>A, p.Asp1856Asn (NM_001278055.2); short protein forms D1856N, D2003N.
Identifiers: ClinVar variation 2419969 (VCV002419969.6), dbSNP rs1018919461, ClinGen allele CA387524100.
Genomic context (GRCh38, chr13:23,337,869, plus strand): 5'-TTTTGGACCCAGTCTTCTTGAGGTATTTCAAAAATATCTTGAAGGCTGCTGAACCAACAT[C>T]TCTTCTTTTAAGTATAGAGTCATCTAGAAATCTTACGTTCTTCATGGAAACCCAAGTAGA-3'
Protein context (NP_055178.3, residues 1993-2013): FLDDSILKRR[Asp2003Asn]VGSAAFKIFL